The following is an entry in ClinVar:

ClinVar aggregate classification (germline): Likely pathogenic (1 of 4 stars; one submission).

Conditions:
Developmental and epileptic encephalopathy, 9 (DEE9). Also called: EPILEPSY, FEMALE-RESTRICTED, WITH MENTAL RETARDATION; Early infantile epileptic encephalopathy 9; PCDH19-Related X-Linked Female-Limited Epilepsy with Mental Retardation; JUBERG-HELLMAN SYNDROME. Identifiers: Orphanet 101039, Orphanet 2076, MedGen C1848137, MONDO:0010246, OMIM 300088. Disease mechanism: loss of function.

Submission:

3billion
Classification: Likely pathogenic for Developmental and epileptic encephalopathy, 9. Last evaluated: 2025-12-01. Review status: criteria provided, single submitter. Criteria: ACMG Guidelines, 2015. Collection method: clinical testing. Allele origin: germline. Affected: yes.
Comment: The variant is not observed in the gnomAD v4.1.0 dataset. Predicted Consequence/Location: Frameshift: predicted to result in a loss or disruption of normal protein function through nonsense-mediated decay (NMD) or protein truncation. Multiple pathogenic variants are reported downstream of the variant. Therefore, this variant is classified as Likely pathogenic according to the recommendation of ACMG/AMP guideline.

NM_001184880.2(PCDH19):c.37_64dup (p.Leu22fs)

Gene: PCDH19 (protocadherin 19; minus strand). Cytogenetic location: Xq22.1.
Variant type: Duplication.
Coding change: c.37_64dup on transcript NM_001184880.2 (MANE Select); coding-DNA positions 37 to 64, 28 bases duplicated (GCCATACTGTGGACGCAGGCTGCCGCCC).
Protein change: p.Leu22fs; shifts the reading frame from leucine 22.
Molecular consequence: frameshift variant.
Genome position (GRCh38, 1-based): chrX:100,408,534-100,408,561, GGGCGGCAGCCTGCGTCCACAGTATGGC duplicated on the plus strand (GCCATACTGTGGACGCAGGCTGCCGCCC on the coding strand, the reverse complement: PCDH19 is on the minus strand). VCF-style (leftmost placement, unchanged base first): chrX-100408533-A-AGGGCGGCAGCCTGCGTCCACAGTATGGC. GRCh37 (hg19) VCF-style: chrX-99663531-A-AGGGCGGCAGCCTGCGTCCACAGTATGGC.
Other names: c.37_64dup, p.Leu22fs (NM_001105243.2, NM_020766.3); short protein forms L22fs.
Identifiers: ClinVar variation 4856232 (VCV004856232.1).